The following is an entry in ClinVar:

ClinVar aggregate classification (germline): Pathogenic. Review status: criteria provided, multiple submitters, no conflicts (2 of 4 stars). 2 submissions from 2 submitters: Pathogenic (2). Last evaluated 2025-10-05.

Conditions:
EYA1-related disorders.

Submissions (2):

GeneDx
Classification: Pathogenic. Last evaluated: 2025-10-05. Review status: criteria provided, single submitter. Criteria: GeneDx Variant Classification Process June 2021. Collection method: clinical testing. Allele origin: germline. Affected: yes.
Comment: Canonical splice site variant predicted to result in a null allele in a gene for which loss of function is a known mechanism of disease; Not observed at significant frequency in large population cohorts (gnomAD); This variant is associated with the following publications: (PMID: 24429398)

Blueprint Genetics
Classification: Pathogenic for EYA1-related disorders. Last evaluated: 2019-10-30. Review status: criteria provided, single submitter. Criteria: ACMG Guidelines, 2015. Collection method: clinical testing. Allele origin: germline. Affected: yes. Observed: 1 variant allele.

NM_000503.6(EYA1):c.966+1G>A

Gene: EYA1 (EYA transcriptional coactivator and phosphatase 1; minus strand). Cytogenetic location: 8q13.3.
Variant type: single nucleotide variant.
Coding change: c.966+1G>A on transcript NM_000503.6 (MANE Select); the canonical splice donor site of the intron after coding-DNA position 966, G replaced by A.
Molecular consequence: splice donor variant.
Genome position (GRCh38, 1-based): chr8:71,271,757, C>T on the plus strand (G>A on the coding strand, the complement: EYA1 is on the minus strand). VCF-style: chr8-71271757-C-T. GRCh37 (hg19) VCF-style: chr8-72183992-C-T.
Other names: c.1035+1G>A (NM_001370336.1); c.1053+1G>A (NM_001370333.1); c.966+1G>A (NM_001370335.1, NM_001370334.1, NM_172058.4); c.1038+1G>A (NM_172059.5); c.867+1G>A (NM_001411797.1, NM_172060.4); c.600+1G>A (NM_001288575.2); c.948+1G>A (NM_001288574.2).
Identifiers: ClinVar variation 4819497 (VCV004819497.2).
Genomic context (GRCh38, chr8:71,271,757, plus strand): 5'-AAAACCACCAGTTAGCTATTAAGACACCTTTCTATTCACTTGGGTGTTGGCTATGACGTA[C>T]CTCAAGATCAGAATCTGGGGGAGGTGAAGGATTATTGTTTCTTCGGCCCCGTCCACGTGA-3'